The following is an entry in ClinVar:

NM_016169.4(SUFU):c.279C>A (p.Phe93Leu)

Gene: SUFU (SUFU negative regulator of hedgehog signaling; plus strand). Cytogenetic location: 10q24.32.
Variant type: single nucleotide variant.
Coding change: c.279C>A on transcript NM_016169.4 (MANE Select); coding-DNA position 279, C replaced by A.
Protein change: p.Phe93Leu; replaces phenylalanine 93 with leucine.
Molecular consequence: missense variant.
Genome position (GRCh38, 1-based): chr10:102,509,265, C>A. VCF-style: chr10-102509265-C-A. GRCh37 (hg19) VCF-style: chr10-104269022-C-A.
Other names: c.279C>A, p.Phe93Leu (NM_001178133.2); short protein forms F93L.
Identifiers: ClinVar variation 1006765 (VCV001006765.9), dbSNP rs770218907, ClinGen allele CA377888994.

ClinVar aggregate classification (germline): Uncertain significance (1 of 4 stars; one submission).

Conditions:
Gorlin syndrome. Also called: Nevoid Basal Cell Carcinoma Syndrome; Basal cell nevus syndrome. Identifiers: Orphanet 377, MedGen C0004779, MONDO:0007187.
Medulloblastoma (MDB). Also called: MEDULLOBLASTOMA PREDISPOSITION SYNDROME; Medulloblastoma, somatic. Identifiers: Orphanet 616, MedGen C0025149, MeSH D008527, MONDO:0007959, OMIM 155255, HP:0002885.

Submission:

Labcorp Genetics (formerly Invitae), Labcorp
Classification: Uncertain significance for Gorlin syndrome; Medulloblastoma. Last evaluated: 2025-01-29. Review status: criteria provided, single submitter. Criteria: Invitae Variant Classification Sherloc (09022015). Collection method: clinical testing. Allele origin: germline.
Comment: This sequence change replaces phenylalanine, which is neutral and non-polar, with leucine, which is neutral and non-polar, at codon 93 of the SUFU protein (p.Phe93Leu). This variant is not present in population databases (gnomAD no frequency). This variant has not been reported in the literature in individuals affected with SUFU-related conditions. ClinVar contains an entry for this variant (Variation ID: 1006765). Invitae Evidence Modeling of protein sequence and biophysical properties (such as structural, functional, and spatial information, amino acid conservation, physicochemical variation, residue mobility, and thermodynamic stability) indicates that this missense variant is not expected to disrupt SUFU protein function with a negative predictive value of 80%. In summary, the available evidence is currently insufficient to determine the role of this variant in disease. Therefore, it has been classified as a Variant of Uncertain Significance.